The following is an entry in ClinVar:

NM_001377.3(DYNC2H1):c.10314A>G (p.Glu3438=)

Gene: DYNC2H1 (dynein cytoplasmic 2 heavy chain 1; plus strand). Cytogenetic location: 11q22.3.
Variant type: single nucleotide variant.
Coding change: c.10314A>G on transcript NM_001377.3 (MANE Select); coding-DNA position 10314, A replaced by G.
Protein change: p.Glu3438=; no amino-acid change (glutamic acid 3438 retained).
Molecular consequence: synonymous variant.
Genome position (GRCh38, 1-based): chr11:103,255,522, A>G. VCF-style: chr11-103255522-A-G. GRCh37 (hg19) VCF-style: chr11-103126251-A-G.
Other names: c.10335A>G, p.Glu3445= (NM_001080463.2).
Identifiers: ClinVar variation 501238 (VCV000501238.27), dbSNP rs369838929, ClinGen allele CA6254943.

ClinVar aggregate classification (germline): Benign/Likely benign. Review status: criteria provided, multiple submitters, no conflicts (2 of 4 stars). 5 submissions from 5 submitters: Benign (1); Likely benign (4). Last evaluated 2026-01-28.

Conditions:
Jeune thoracic dystrophy. Also called: Jeune syndrome; Infantile thoracic dystrophy; Thoracic pelvic phalangeal dystrophy; Jeune's syndrome; Chondroectodermal dysplasia-like syndrome; Short-rib thoracic dysplasia. Identifiers: Orphanet 474, MedGen C0265275, MONDO:0018770.

Allele frequency attached by ClinVar (database versions not stated): gnomAD exomes 0.00014 and 0.00034; ExAC 0.00076; 1000 Genomes Project 0.00140; 1000 Genomes Project 30x 0.00141; ESP Exome Variant Server 0.00146; gnomAD 0.00171 and 0.00188; TOPMed 0.00197.
gnomAD v4.1: 461 of 1,555,254 alleles (0.03%); highest among the groups gnomAD compares: African/African-American, 0.59%; 1 homozygote.

Submissions (5):

Labcorp Genetics (formerly Invitae), Labcorp
Classification: Benign for Jeune thoracic dystrophy. Last evaluated: 2026-01-28. Review status: criteria provided, single submitter. Criteria: Invitae Variant Classification Sherloc (09022015). Collection method: clinical testing. Allele origin: germline.

Blueprint Genetics
Classification: Likely benign. Last evaluated: 2024-07-11. Review status: criteria provided, single submitter. Criteria: ACMG Guidelines, 2015. Collection method: clinical testing. Allele origin: germline.

GeneDx
Classification: Likely benign. Last evaluated: 2019-04-03. Review status: criteria provided, single submitter. Criteria: GeneDx Variant Classification Process June 2021. Collection method: clinical testing. Allele origin: germline. Affected: yes.

ARUP Laboratories, Molecular Genetics and Genomics, ARUP Laboratories
Classification: Likely benign. Last evaluated: 2018-01-02. Review status: criteria provided, single submitter. Criteria: ARUP Molecular Germline Variant Investigation Process. Collection method: clinical testing. Allele origin: germline.
Comment: The c.10335A>G; p.Glu3445Glu variant (rs369838929), to our knowledge, is not reported in the medical literature, gene specific variation databases, nor has it been previously identified by our laboratory. This variant is listed in the genome Aggregation Database (gnomAD) with an African population frequency of 0.6% (identified on 99 out of 17,402 chromosomes). The c.10335A>G variant does not alter the amino acid sequence of the DYNC2H1 protein and computational splice site prediction algorithms do not predict a change in the nearest splice site or creation of a cryptic splice site (Alamut v.2.10.0). Based on the available information, the c.10335A>G variant is likely to be benign.

Eurofins Ntd Llc (ga)
Classification: Likely benign. Last evaluated: 2017-04-19. Review status: criteria provided, single submitter. Criteria: EGL Classification Definitions 2015. Collection method: clinical testing. Allele origin: germline. Observed: 1 variant allele, 1 heterozygote.